The following is an entry in ClinVar:

ClinVar aggregate classification (germline): Pathogenic. Review status: reviewed by expert panel (3 of 4 stars). 3 submissions from 3 submitters: Pathogenic (1). 2 of the submissions do not count toward it. Last evaluated 2013-09-05.

Conditions:
Hereditary nonpolyposis colon cancer (HNPCC). Also called: Hereditary Nonpolyposis Colorectal Cancer Syndrome; Hereditary nonpolyposis colorectal cancer; Familial nonpolyposis colon cancer. Identifiers: Orphanet 443909, MedGen C1333990, MONDO:0018630. Disease mechanism: loss of function.
Hereditary cancer-predisposing syndrome. Also called: Neoplastic Syndromes, Hereditary; Tumor predisposition; Hereditary neoplastic syndrome; Hereditary Cancer Syndrome. Identifiers: Orphanet 140162, MedGen C0027672, MeSH D009386, MONDO:0015356.
Lynch syndrome. Identifiers: Orphanet 144, MedGen C4552100, MONDO:0005835. Disease mechanism: loss of function.

Allele frequency attached by ClinVar (database versions not stated): gnomAD exomes below 0.00001.
gnomAD v4.1: 1 of 1,614,086 alleles (0.000062%); highest among the groups gnomAD compares: Non-Finnish European, 0.000085%; no homozygotes.

Submissions (3):

International Society for Gastrointestinal Hereditary Tumours (InSiGHT)
Classification: Pathogenic for Lynch Syndrome. Last evaluated: 2013-09-05. Review status: reviewed by expert panel. Criteria: Guidelines v1.9. Collection method: research. Allele origin: germline.
Comment: Coding sequence variation resulting in a stop codon

Classified with v1.9 guidelines

Women's Health and Genetics/Laboratory Corporation of America, LabCorp
Classification: Pathogenic for Hereditary nonpolyposis colon cancer. Last evaluated: 2026-06-25. Review status: criteria provided, single submitter. Criteria: LabCorp Variant Classification Summary - May 2015. Collection method: clinical testing. Allele origin: germline. Not counted in ClinVar's aggregate classification.
Comment: Variant summary: MSH6 c.2330G>A (p.Trp777X) results in a premature termination codon, predicted to cause a truncation of the encoded protein or absence of the protein due to nonsense mediated decay, which are commonly known mechanisms for disease. Loss-of-function variants in this gene are known to be pathogenic. The variant was absent in 251118 control chromosomes. To our knowledge, no occurrence of c.2330G>A in individuals affected with MSH6-related conditions and no experimental evidence demonstrating its impact on protein function have been reported. ClinVar contains an entry for this variant (Variation ID: 89271). Based on the evidence outlined above, the variant was classified as pathogenic.

Ambry Genetics
Classification: Pathogenic for Hereditary cancer-predisposing syndrome. Last evaluated: 2025-07-14. Review status: criteria provided, single submitter. Criteria: Ambry Variant Classification Scheme 2023. Collection method: clinical testing. Allele origin: germline. Not counted in ClinVar's aggregate classification.
Comment: The p.W777* pathogenic mutation (also known as c.2330G>A), located in coding exon 4 of the MSH6 gene, results from a G to A substitution at nucleotide position 2330. This changes the amino acid from a tryptophan to a stop codon within coding exon 4. This variant is considered to be rare based on population cohorts in the Genome Aggregation Database (gnomAD). This alteration is expected to result in loss of function by premature protein truncation or nonsense-mediated mRNA decay. As such, this alteration is interpreted as a disease-causing mutation.

NM_000179.3(MSH6):c.2330G>A (p.Trp777Ter)

Gene: MSH6 (mutS homolog 6; plus strand). Cytogenetic location: 2p16.3.
Variant type: single nucleotide variant.
Coding change: c.2330G>A on transcript NM_000179.3 (MANE Select); coding-DNA position 2330, G replaced by A.
Protein change: p.Trp777Ter; replaces tryptophan 777 with a stop codon.
Molecular consequence: nonsense.
Genome position (GRCh38, 1-based): chr2:47,800,313, G>A. VCF-style: chr2-47800313-G-A. GRCh37 (hg19) VCF-style: chr2-48027452-G-A.
Other names: c.1940G>A, p.Trp647Ter (NM_001281492.2); c.1424G>A, p.Trp475Ter (NM_001281493.2, NM_001281494.2); short protein forms W777*, W475*, W647*.
Identifiers: ClinVar variation 89271 (VCV000089271.4), dbSNP rs587779234, ClinGen allele CA010055.